The following is an entry in ClinVar:

NM_001190.4(BCAT2):c.334G>A (p.Asp112Asn)

Gene: BCAT2 (branched chain amino acid transaminase 2; minus strand). Cytogenetic location: 19q13.33.
Variant type: single nucleotide variant.
Coding change: c.334G>A on transcript NM_001190.4 (MANE Select); coding-DNA position 334, G replaced by A.
Protein change: p.Asp112Asn; replaces aspartic acid 112 with asparagine.
Molecular consequence: missense variant.
Genome position (GRCh38, 1-based): chr19:48,800,264, C>T on the plus strand (G>A on the coding strand, the complement: BCAT2 is on the minus strand). VCF-style: chr19-48800264-C-T. GRCh37 (hg19) VCF-style: chr19-49303521-C-T.
Other names: c.58G>A, p.Asp20Asn (NM_001164773.2); c.214G>A, p.Asp72Asn (NM_001284325.2); c.334G>A (NM_001190.3); short protein forms D72N, D112N, D20N.
Identifiers: ClinVar variation 1388125 (VCV001388125.7), dbSNP rs144152530, ClinGen allele CA9558459.

ClinVar aggregate classification (germline): Uncertain significance. Review status: criteria provided, multiple submitters, no conflicts (2 of 4 stars). 3 submissions from 3 submitters: Uncertain significance (3). Last evaluated 2024-12-02.

Allele frequency attached by ClinVar (database versions not stated): ESP Exome Variant Server 0.00008; gnomAD 0.00011 and 0.00012; ExAC 0.00013; TOPMed 0.00016; gnomAD exomes 0.00017; 1000 Genomes Project 0.00020; 1000 Genomes Project 30x 0.00031.
gnomAD v4.1: 176 of 1,613,842 alleles (0.011%); highest among the groups gnomAD compares: Middle Eastern, 0.16%; no homozygotes.

Submissions (3):

Labcorp Genetics (formerly Invitae), Labcorp
Classification: Uncertain significance. Last evaluated: 2024-12-02. Review status: criteria provided, single submitter. Criteria: Invitae Variant Classification Sherloc (09022015). Collection method: clinical testing. Allele origin: germline.
Comment: This sequence change replaces aspartic acid, which is acidic and polar, with asparagine, which is neutral and polar, at codon 112 of the BCAT2 protein (p.Asp112Asn). This variant is present in population databases (rs144152530, gnomAD 0.05%). This variant has not been reported in the literature in individuals affected with BCAT2-related conditions. ClinVar contains an entry for this variant (Variation ID: 1388125). Invitae Evidence Modeling of protein sequence and biophysical properties (such as structural, functional, and spatial information, amino acid conservation, physicochemical variation, residue mobility, and thermodynamic stability) indicates that this missense variant is not expected to disrupt BCAT2 protein function with a negative predictive value of 80%. In summary, the available evidence is currently insufficient to determine the role of this variant in disease. Therefore, it has been classified as a Variant of Uncertain Significance.

Ambry Genetics
Classification: Uncertain significance. Last evaluated: 2024-10-08. Review status: criteria provided, single submitter. Criteria: Ambry Variant Classification Scheme 2023. Collection method: clinical testing. Allele origin: germline.

Breakthrough Genomics
Classification: Uncertain significance. Review status: criteria provided, single submitter. Criteria: ACMG Guidelines, 2015. Collection method: not provided. Allele origin: germline. Inheritance: Autosomal dominant inheritance. Affected: yes.